The following is an entry in ClinVar:

NM_004329.3(BMPR1A):c.*10C>A

Gene: BMPR1A (bone morphogenetic protein receptor type 1A; plus strand). Cytogenetic location: 10q23.2.
Variant type: single nucleotide variant.
Coding change: c.*10C>A on transcript NM_004329.3 (MANE Select); 10 bases downstream of the stop codon, C replaced by A.
Molecular consequence: 3 prime UTR variant. On other transcripts: non-coding transcript variant (3).
Genome position (GRCh38, 1-based): chr10:86,923,729, C>A. VCF-style: chr10-86923729-C-A. GRCh37 (hg19) VCF-style: chr10-88683486-C-A.
Other names: c.*10C>A (NM_001406559.1, NM_001406560.1, NM_001406561.1 and 28 more transcripts).
Identifiers: ClinVar variation 3378829 (VCV003378829.1).
Genomic context (GRCh38, chr10:86,923,729, plus strand): 5'-ATTAAGAAGACGCTTGCCAAGATGGTTGAATCCCAAGATGTAAAAATCTGATGGTTAAAC[C>A]ATCGGAGGAGAAACTCTAGACTGCAAGAACTGTTTTTACCCATGGCATGGGTGGAATTAG-3'

ClinVar aggregate classification (germline): Benign (1 of 4 stars; one submission).

Conditions:
Juvenile polyposis syndrome (JPS). Identifiers: Orphanet 2929, MedGen C0345893, MONDO:0017380, OMIM 174900.

Submission:

Myriad Genetics, Inc.
Classification: Benign for Juvenile polyposis syndrome. Last evaluated: 2024-09-25. Review status: criteria provided, single submitter. Criteria: Myriad Autosomal Dominant, Autosomal Recessive and X-Linked Classification Criteria (2023). Collection method: clinical testing. Allele origin: unknown.
Comment: This variant is considered benign. This variant occurs in the non-coding 3' untranslated region of the gene, and is not expected to impact protein function.